The following is an entry in ClinVar:

ClinVar aggregate classification (germline): Uncertain significance (1 of 4 stars; one submission).

Conditions:
Oligodontia-cancer predisposition syndrome. Also called: TOOTH AGENESIS-COLORECTAL CANCER SYNDROME. Identifiers: Orphanet 300576, MedGen C1837750, MONDO:0012075, OMIM 608615. Disease mechanism: loss of function.

Submission:

Labcorp Genetics (formerly Invitae), Labcorp
Classification: Uncertain significance for Oligodontia-cancer predisposition syndrome. Last evaluated: 2022-07-13. Review status: criteria provided, single submitter. Criteria: Invitae Variant Classification Sherloc (09022015). Collection method: clinical testing. Allele origin: germline.
Comment: In summary, the available evidence is currently insufficient to determine the role of this variant in disease. Therefore, it has been classified as a Variant of Uncertain Significance. Algorithms developed to predict the effect of missense changes on protein structure and function (SIFT, PolyPhen-2, Align-GVGD) all suggest that this variant is likely to be disruptive. ClinVar contains an entry for this variant (Variation ID: 1055697). This variant has not been reported in the literature in individuals affected with AXIN2-related conditions. This variant is not present in population databases (gnomAD no frequency). This sequence change replaces lysine, which is basic and polar, with asparagine, which is neutral and polar, at codon 797 of the AXIN2 protein (p.Lys797Asn).

NM_004655.4(AXIN2):c.2391A>C (p.Lys797Asn)

Gene: AXIN2 (axin 2; minus strand). Cytogenetic location: 17q24.1.
Variant type: single nucleotide variant.
Coding change: c.2391A>C on transcript NM_004655.4 (MANE Select); coding-DNA position 2391, A replaced by C.
Protein change: p.Lys797Asn; replaces lysine 797 with asparagine.
Molecular consequence: missense variant.
Genome position (GRCh38, 1-based): chr17:65,533,926, T>G on the plus strand (A>C on the coding strand, the complement: AXIN2 is on the minus strand). VCF-style: chr17-65533926-T-G. GRCh37 (hg19) VCF-style: chr17-63530044-T-G.
Other names: c.2196A>C, p.Lys732Asn (NM_001363813.1); short protein forms K732N, K797N.
Identifiers: ClinVar variation 1055697 (VCV001055697.10), dbSNP rs775408790, ClinGen allele CA400675343.
Genomic context (GRCh38, chr17:65,533,926, plus strand): 5'-TCTGAGCAAACAAACTGAGAGCAGAAAAAAGCCACAGGACTCTTACCTATAATTTCCCTT[T>G]TTGCTGAGCTGCTCTTTAAAGTGGCCCAGGGTCAAGCTCTGAGCCTTCAGCATCCTCCGG-3'
Protein context (NP_004646.3, residues 787-807): TLGHFKEQLS[Lys797Asn]KGNYRYYFKK